The following is an entry in ClinVar:

ClinVar aggregate classification (germline): Uncertain significance. Review status: criteria provided, multiple submitters, no conflicts (2 of 4 stars). 5 submissions from 5 submitters: Uncertain significance (5). Last evaluated 2025-06-23.

Conditions:
Arrhythmogenic right ventricular dysplasia 8 (ARVD8). Also called: ARRHYTHMOGENIC RIGHT VENTRICULAR DYSPLASIA, FAMILIAL, 8; ARRHYTHMOGENIC RIGHT VENTRICULAR CARDIOMYOPATHY 8; Arrhythmogenic Right Ventricular Dysplasia/Cardiomyopathy 8. Identifiers: MedGen C1843896, MONDO:0011831, OMIM 607450.
Arrhythmogenic cardiomyopathy with wooly hair and keratoderma. Also called: Arrhythmogenic cardiomyopathy with woolly hair and keratoderma; PALMOPLANTAR KERATODERMA WITH LEFT VENTRICULAR CARDIOMYOPATHY AND WOOLLY HAIR; Carvajal syndrome; Dilated cardiomyopathy with woolly hair and keratoderma. Identifiers: Orphanet 65282, MedGen C1854063, MONDO:0011581, OMIM 605676.
Cardiomyopathy (CMYO). Also called: Cardiomyopathies. Identifiers: Orphanet 167848, MedGen C0878544, MONDO:0004994, HP:0001638. Inheritance: Various modes of inheritance.
Cardiovascular phenotype. Identifiers: MedGen CN230736.

Allele frequency attached by ClinVar (database versions not stated): gnomAD exomes below 0.00001 and 0.00001; ExAC 0.00001; gnomAD 0.00001.
gnomAD v4.1: 6 of 1,614,194 alleles (0.00037%); highest among the groups gnomAD compares: African/African-American, 0.0013%; no homozygotes.

Submissions (5):

Color Diagnostics, LLC DBA Color Health
Classification: Uncertain significance for Cardiomyopathy. Last evaluated: 2025-06-23. Review status: criteria provided, single submitter. Criteria: ACMG Guidelines, 2015. Collection method: clinical testing. Allele origin: germline.
Comment: This missense variant replaces asparagine with threonine at codon 2565 of the DSP protein. Computational prediction suggests that this variant may not impact protein structure and function. To our knowledge, functional studies have not been reported for this variant. This variant has not been reported in individuals affected with DSP-related disorders in the literature. This variant has been identified in 2/251496 chromosomes in the general population by the Genome Aggregation Database (gnomAD). The available evidence is insufficient to determine the role of this variant in disease conclusively. Therefore, this variant is classified as a Variant of Uncertain Significance.

GeneDx
Classification: Uncertain significance. Last evaluated: 2024-09-04. Review status: criteria provided, single submitter. Criteria: GeneDx Variant Classification Process June 2021. Collection method: clinical testing. Allele origin: germline. Affected: yes.
Comment: Has not been previously published as pathogenic or benign to our knowledge; Not observed at significant frequency in large population cohorts (gnomAD); In silico analysis indicates that this missense variant does not alter protein structure/function

Labcorp Genetics (formerly Invitae), Labcorp
Classification: Uncertain significance for Arrhythmogenic cardiomyopathy with wooly hair and keratoderma; Arrhythmogenic right ventricular dysplasia 8. Last evaluated: 2024-05-08. Review status: criteria provided, single submitter. Criteria: Invitae Variant Classification Sherloc (09022015). Collection method: clinical testing. Allele origin: germline.
Comment: This sequence change replaces asparagine, which is neutral and polar, with threonine, which is neutral and polar, at codon 2565 of the DSP protein (p.Asn2565Thr). This variant is present in population databases (rs769572594, gnomAD 0.002%). This variant has not been reported in the literature in individuals affected with DSP-related conditions. ClinVar contains an entry for this variant (Variation ID: 1433712). An algorithm developed to predict the effect of missense changes on protein structure and function (PolyPhen-2) suggests that this variant is likely to be disruptive. In summary, the available evidence is currently insufficient to determine the role of this variant in disease. Therefore, it has been classified as a Variant of Uncertain Significance.

Ambry Genetics
Classification: Uncertain significance for Cardiovascular phenotype. Last evaluated: 2023-10-20. Review status: criteria provided, single submitter. Criteria: Ambry Variant Classification Scheme 2023. Collection method: clinical testing. Allele origin: germline.
Comment: The p.N2565T variant (also known as c.7694A>C), located in coding exon 24 of the DSP gene, results from an A to C substitution at nucleotide position 7694. The asparagine at codon 2565 is replaced by threonine, an amino acid with similar properties. This amino acid position is well conserved in available vertebrate species. In addition, this alteration is predicted to be tolerated by in silico analysis. Since supporting evidence is limited at this time, the clinical significance of this alteration remains unclear.

All of Us Research Program, National Institutes of Health
Classification: Uncertain significance for Arrhythmogenic cardiomyopathy with wooly hair and keratoderma. Last evaluated: 2023-04-03. Review status: criteria provided, single submitter. Criteria: ACMG Guidelines, 2015. Collection method: clinical testing. Allele origin: germline. Inheritance: Autosomal dominant inheritance. Observed: 1 variant allele, 1 heterozygote.
Comment: This missense variant replaces asparagine with threonine at codon 2565 of the DSP protein. Computational prediction suggests that this variant may not impact protein structure and function (internally defined REVEL score threshold <= 0.5, PMID: 27666373). To our knowledge, functional studies have not been reported for this variant. This variant has not been reported in individuals affected with DSP-related disorders in the literature. This variant has been identified in 2/251496 chromosomes in the general population by the Genome Aggregation Database (gnomAD). The available evidence is insufficient to determine the role of this variant in disease conclusively. Therefore, this variant is classified as a Variant of Uncertain Significance.

This study involves interpretation of variants in research participants for the purpose of population health screening. Participant phenotype was not available at the time of variant classification. Additional details can be found in publication PMID: 35346344, PMCID: PMC8962531

NM_004415.4(DSP):c.7694A>C (p.Asn2565Thr)

Gene: DSP (desmoplakin; plus strand). Cytogenetic location: 6p24.3.
Variant type: single nucleotide variant.
Coding change: c.7694A>C on transcript NM_004415.4 (MANE Select); coding-DNA position 7694, A replaced by C.
Protein change: p.Asn2565Thr; replaces asparagine 2565 with threonine.
Molecular consequence: missense variant.
Genome position (GRCh38, 1-based): chr6:7,584,956, A>C. VCF-style: chr6-7584956-A-C. GRCh37 (hg19) VCF-style: chr6-7585189-A-C.
Other names: c.5897A>C, p.Asn1966Thr (NM_001008844.3); c.6365A>C, p.Asn2122Thr (NM_001319034.2); c.7694A>C (NM_004415.2); short protein forms N1966T, N2122T, N2565T.
Identifiers: ClinVar variation 1433712 (VCV001433712.9), dbSNP rs769572594, ClinGen allele CA050463.
Genomic context (GRCh38, chr6:7,584,956, plus strand): 5'-ATCAGTACCGATCCGGCAGCCTCAGCCTCACTCAATTTGCTGACATGATCTCCTTGAAAA[A>C]TGGTGTCGGCACCAGCAGCAGCATGGGCAGTGGTGTCAGCGATGATGTTTTTAGCAGCTC-3'
Protein context (NP_004406.2, residues 2555-2575): TQFADMISLK[Asn2565Thr]GVGTSSSMGS